The following is an entry in ClinVar:

ClinVar aggregate classification (germline): Likely benign (0 of 4 stars; one submission).

Conditions:
ASXL3-related disorder. Also called: ASXL3-related condition. Identifiers: MedGen CN381524.

gnomAD v4.1: 48 of 1,605,100 alleles (0.003%); highest among the groups gnomAD compares: Non-Finnish European, 0.0037%; no homozygotes.

Submission:

PreventionGenetics, part of Exact Sciences
Classification: Likely benign for ASXL3-related condition. Last evaluated: 2024-06-20. Review status: no assertion criteria provided. Collection method: clinical testing. Allele origin: germline.
Comment: This variant is classified as likely benign based on ACMG/AMP sequence variant interpretation guidelines (Richards et al. 2015 PMID: 25741868, with internal and published modifications).

NM_030632.3(ASXL3):c.356-8G>C

Gene: ASXL3 (ASXL transcriptional regulator 3; plus strand). Cytogenetic location: 18q12.1.
Variant type: single nucleotide variant.
Coding change: c.356-8G>C on transcript NM_030632.3 (MANE Select); 8 bases into the intron before coding-DNA position 356, G replaced by C.
Molecular consequence: intron variant.
Genome position (GRCh38, 1-based): chr18:33,661,608, G>C. VCF-style: chr18-33661608-G-C. GRCh37 (hg19) VCF-style: chr18-31241572-G-C.
Identifiers: ClinVar variation 3356118 (VCV003356118.1).